The following is an entry in ClinVar:

ClinVar aggregate classification (germline): Uncertain significance (1 of 4 stars; one submission).

Allele frequency attached by ClinVar (database versions not stated): TOPMed below 0.00001; ExAC 0.00001; gnomAD 0.00001; gnomAD exomes 0.00001 and 0.00002.
gnomAD v4.1: 31 of 1,613,006 alleles (0.0019%); highest among the groups gnomAD compares: African/African-American, 0.004%; no homozygotes.

Submission:

Laboratory for Molecular Medicine, Mass General Brigham Personalized Medicine
Classification: Uncertain significance. Last evaluated: 2014-06-24. Review status: criteria provided, single submitter. Criteria: LMM Criteria. Collection method: clinical testing. Allele origin: germline. Observed: 1 variant allele.
Comment: Variant classified as Uncertain Significance - Favor Benign. The 9517+12A>G vari ant in MYO15A has not been previously reported in individuals with hearing loss and was absent from large population studies. This variant is located in the 5' splice region. Computational tools suggest a possible impact to splicing; howeve r, this information is not predictive enough to determine pathogenicity. Alterna tively, the c.9517 nucleotide position is not conserved across species; however this information is not sufficient to rule out pathogenicity. In summary, the cl inical significance of the 9517+12A>G variant is uncertain; however, the conserv ation data suggest that it is more likely to be benign.

NM_016239.4(MYO15A):c.9517+12A>G

Gene: MYO15A (myosin XVA; plus strand). Cytogenetic location: 17p11.2.
Variant type: single nucleotide variant.
Coding change: c.9517+12A>G on transcript NM_016239.4 (MANE Select); 12 bases into the intron after coding-DNA position 9517, A replaced by G.
Molecular consequence: intron variant.
Genome position (GRCh38, 1-based): chr17:18,161,459, A>G. VCF-style: chr17-18161459-A-G. GRCh37 (hg19) VCF-style: chr17-18064773-A-G.
Identifiers: ClinVar variation 164563 (VCV000164563.4), dbSNP rs727503320, ClinGen allele CA177270.